The following is an entry in ClinVar:

ClinVar aggregate classification (germline): Likely pathogenic. Review status: criteria provided, multiple submitters, no conflicts (2 of 4 stars). 4 submissions from 4 submitters: Likely pathogenic (3). 1 of the submissions does not count toward it. Last evaluated 2024-06-23.

Conditions:
Thrombocytopenia 13, syndromic. Also called: THROMBOCYTOPENIA, AUTOSOMAL RECESSIVE, 13. Identifiers: MedGen C5935599, MONDO:0958333, OMIM 620776.
UDPglucose-4-epimerase deficiency. Also called: UDPglucose 4-Epimerase Deficiency Disease; UDP-GALACTOSE-4-EPIMERASE DEFICIENCY; Galactose epimerase deficiency; GALACTOSEMIA III; GALE DEFICIENCY; Epimerase Deficiency Galactosemia. Identifiers: Orphanet 352, Orphanet 79238, MedGen C0751161, MONDO:0009257, OMIM 230350.

Allele frequency attached by ClinVar (database versions not stated): gnomAD 0.00001; gnomAD exomes 0.00001 and 0.00002; ExAC 0.00003.
gnomAD v4.1: 15 of 1,614,150 alleles (0.00093%); highest among the groups gnomAD compares: East Asian, 0.031%; no homozygotes.

Submissions (4):

Fulgent Genetics
Classification: Likely pathogenic for UDPglucose-4-epimerase deficiency; Thrombocytopenia 13, syndromic. Last evaluated: 2024-06-23. Review status: criteria provided, single submitter. Criteria: ACMG Guidelines, 2015. Collection method: clinical testing. Allele origin: germline.

Women's Health and Genetics/Laboratory Corporation of America, LabCorp
Classification: Likely pathogenic for UDPglucose-4-epimerase deficiency. Last evaluated: 2024-06-18. Review status: criteria provided, single submitter. Criteria: LabCorp Variant Classification Summary - May 2015. Collection method: clinical testing. Allele origin: germline.
Comment: Variant summary: GALE c.905G>A (p.Gly302Asp) results in a non-conservative amino acid change located in the NAD(P)-binding domain (IPR016040) of the encoded protein sequence. Five of five in-silico tools predict a damaging effect of the variant on protein function. The variant allele was found at a frequency of 2e-05 in 251262 control chromosomes. c.905G>A has been reported in the literature in the heterozygous state or presumed compound heterozygous state in at least 2 individuals affected with UDPglucose-4-Epimerase Deficiency or testing positive on a newborn screen (example, Park_2016, Park_2005). These data indicate that the variant may be associated with disease. Enzyme activity was undetectable in vitro (example, Bang_2009). The following publications have been ascertained in the context of this evaluation (PMID: 19250319, 27578510, 16301867). ClinVar contains an entry for this variant (Variation ID: 21173). Based on the evidence outlined above, the variant was classified as likely pathogenic.

Labcorp Genetics (formerly Invitae), Labcorp
Classification: Likely pathogenic for UDPglucose-4-epimerase deficiency. Last evaluated: 2023-10-05. Review status: criteria provided, single submitter. Criteria: Invitae Variant Classification Sherloc (09022015). Collection method: clinical testing. Allele origin: germline.
Comment: This sequence change replaces glycine, which is neutral and non-polar, with aspartic acid, which is acidic and polar, at codon 302 of the GALE protein (p.Gly302Asp). This variant is present in population databases (rs137853861, gnomAD 0.02%). This missense change has been observed in individual(s) with galactose epimerase deficiency (PMID: 16301867). ClinVar contains an entry for this variant (Variation ID: 21173). Advanced modeling of protein sequence and biophysical properties (such as structural, functional, and spatial information, amino acid conservation, physicochemical variation, residue mobility, and thermodynamic stability) performed at Invitae indicates that this missense variant is expected to disrupt GALE protein function. Experimental studies have shown that this missense change affects GALE function (PMID: 19250319). Algorithms developed to predict the effect of sequence changes on RNA splicing suggest that this variant may disrupt the consensus splice site. In summary, the currently available evidence indicates that the variant is pathogenic, but additional data are needed to prove that conclusively. Therefore, this variant has been classified as Likely Pathogenic.

GeneReviews
No classification provided. Condition: UDPglucose-4-epimerase deficiency. Review status: no classification provided. Collection method: literature only. Allele origin: germline. Not counted in ClinVar's aggregate classification.
Comment: Account for 67% of alleles reported in a cohort of asymptomatic Koreans with peripheral epimerase deficiency galactosemia

Literature cited by the submitters: PubMed 27578510 (cited by Women's Health and Genetics/Laboratory Corporation of America, LabCorp); PubMed 19250319 (cited by Women's Health and Genetics/Laboratory Corporation of America, LabCorp and Labcorp Genetics (formerly Invitae), Labcorp); PubMed 16301867 (cited by 3 submitters).

NM_001008216.2(GALE):c.905G>A (p.Gly302Asp)

Gene: GALE (UDP-galactose-4-epimerase; minus strand). Cytogenetic location: 1p36.11.
Variant type: single nucleotide variant.
Coding change: c.905G>A on transcript NM_001008216.2 (MANE Select); coding-DNA position 905, G replaced by A.
Protein change: p.Gly302Asp; replaces glycine 302 with aspartic acid.
Molecular consequence: missense variant.
Genome position (GRCh38, 1-based): chr1:23,796,234, C>T on the plus strand (G>A on the coding strand, the complement: GALE is on the minus strand). VCF-style: chr1-23796234-C-T. GRCh37 (hg19) VCF-style: chr1-24122724-C-T.
Other names: c.905G>A, p.Gly302Asp (NM_000403.4, NM_001127621.2); short protein forms G302D.
Identifiers: ClinVar variation 21173 (VCV000021173.9), dbSNP rs137853861, ClinGen allele CA341701.